The following is an entry in ClinVar:

ClinVar aggregate classification (germline): Likely pathogenic (1 of 4 stars; one submission).

Conditions:
Wilson disease (WND). Also called: Wilson's disease. Identifiers: Orphanet 905, MedGen C0019202, MONDO:0010200, OMIM 277900. Disease mechanism: loss of function.

Allele frequency attached by ClinVar (database versions not stated): gnomAD exomes below 0.00001; ExAC 0.00001.

Submission:

Myriad Genetics, Inc.
Classification: Likely pathogenic for Wilson disease. Last evaluated: 2019-03-27. Review status: criteria provided, single submitter. Criteria: Myriad Women's Health Autosomal Recessive and X-Linked Classification Criteria (2019). Collection method: clinical testing. Allele origin: unknown.
Comment: NM_000053.3(ATP7B):c.86G>A(W29*) is expected to be pathogenic in the context of Wilson disease. This variant is predicted to lead to an abnormal or absent protein product due to the creation of a premature termination codon in ATP7B, a gene where loss-of-function variants are known to be pathogenic. Please note: this variant was assessed in the context of healthy population screening.

NM_000053.4(ATP7B):c.86G>A (p.Trp29Ter)

Gene: ATP7B (ATPase copper transporting beta; minus strand). Cytogenetic location: 13q14.3.
Variant type: single nucleotide variant.
Coding change: c.86G>A on transcript NM_000053.4 (MANE Select); coding-DNA position 86, G replaced by A.
Protein change: p.Trp29Ter; replaces tryptophan 29 with a stop codon.
Molecular consequence: nonsense.
Genome position (GRCh38, 1-based): chr13:51,975,134, C>T on the plus strand (G>A on the coding strand, the complement: ATP7B is on the minus strand). VCF-style: chr13-51975134-C-T. GRCh37 (hg19) VCF-style: chr13-52549270-C-T.
Other names: c.86G>A, p.Trp29Ter (NM_001005918.3, NM_001243182.2, NM_001330578.2 and 1 more transcripts); short protein forms W29*.
Identifiers: ClinVar variation 983829 (VCV000983829.3), dbSNP rs577406734, ClinGen allele CA6989618.